The following is an entry in ClinVar:

ClinVar aggregate classification (germline): Uncertain significance (1 of 4 stars; one submission).

Allele frequency attached by ClinVar (database versions not stated): ExAC 0.00001; gnomAD 0.00001 and 0.00002; gnomAD exomes 0.00001 and 0.00002; TOPMed 0.00001.
gnomAD v4.1: 17 of 1,611,036 alleles (0.0011%); highest among the groups gnomAD compares: Admixed American, 0.0084%; no homozygotes.

Submission:

Labcorp Genetics (formerly Invitae), Labcorp
Classification: Uncertain significance. Last evaluated: 2022-07-30. Review status: criteria provided, single submitter. Criteria: Invitae Variant Classification Sherloc (09022015). Collection method: clinical testing. Allele origin: germline.
Comment: This sequence change replaces alanine, which is neutral and non-polar, with threonine, which is neutral and polar, at codon 333 of the CARMIL2 protein (p.Ala333Thr). This variant is present in population databases (rs772486345, gnomAD 0.006%). This variant has not been reported in the literature in individuals affected with CARMIL2-related conditions. ClinVar contains an entry for this variant (Variation ID: 1492216). Algorithms developed to predict the effect of missense changes on protein structure and function output the following: SIFT: "Tolerated"; PolyPhen-2: "Benign"; Align-GVGD: "Class C0". The threonine amino acid residue is found in multiple mammalian species, which suggests that this missense change does not adversely affect protein function. In summary, the available evidence is currently insufficient to determine the role of this variant in disease. Therefore, it has been classified as a Variant of Uncertain Significance.

NM_001013838.3(CARMIL2):c.997G>A (p.Ala333Thr)

Gene: CARMIL2 (capping protein regulator and myosin 1 linker 2; plus strand). Cytogenetic location: 16q22.1.
Variant type: single nucleotide variant.
Coding change: c.997G>A on transcript NM_001013838.3 (MANE Select); coding-DNA position 997, G replaced by A.
Protein change: p.Ala333Thr; replaces alanine 333 with threonine.
Molecular consequence: missense variant.
Genome position (GRCh38, 1-based): chr16:67,647,884, G>A. VCF-style: chr16-67647884-G-A. GRCh37 (hg19) VCF-style: chr16-67681787-G-A.
Other names: c.997G>A, p.Ala333Thr (NM_001317026.3); short protein forms A333T.
Identifiers: ClinVar variation 1492216 (VCV001492216.3), dbSNP rs772486345, ClinGen allele CA8113307.